The following is an entry in ClinVar:

ClinVar aggregate classification (germline): Benign. Review status: criteria provided, multiple submitters, no conflicts (2 of 4 stars). 3 submissions from 3 submitters: Benign (3). Last evaluated 2026-01-25.

Conditions:
Orthostatic hypotension 1 (ORTHYP1). Also called: Dopamine beta-hydroxylase deficiency; Orthostatic hypotension 1, due to DBH deficiency; NORADRENALINE DEFICIENCY; NOREPINEPHRINE DEFICIENCY. Identifiers: Orphanet 230, MedGen C4746777, MONDO:0009123, OMIM 223360.

Allele frequency attached by ClinVar (database versions not stated): gnomAD exomes 0.00161; ExAC 0.00194; ESP Exome Variant Server 0.00554; gnomAD 0.00599 and 0.00638; 1000 Genomes Project 30x 0.00609; 1000 Genomes Project 0.00619; TOPMed 0.00651.
gnomAD v4.1: 1,833 of 1,613,936 alleles (0.11%); highest among the groups gnomAD compares: African/African-American, 2%; 19 homozygotes.

Submissions (3):

Labcorp Genetics (formerly Invitae), Labcorp
Classification: Benign for Orthostatic hypotension 1. Last evaluated: 2026-01-25. Review status: criteria provided, single submitter. Criteria: Invitae Variant Classification Sherloc (09022015). Collection method: clinical testing. Allele origin: germline.

Illumina Laboratory Services, Illumina
Classification: Benign for Orthostatic hypotension 1. Last evaluated: 2018-01-13. Review status: criteria provided, single submitter. Criteria: ICSL Variant Classification Criteria 13 December 2019. Collection method: clinical testing. Allele origin: germline.
Comment: This variant was observed in the ICSL laboratory as part of a predisposition screen in an ostensibly healthy population. It had not been previously curated by ICSL or reported in the Human Gene Mutation Database (HGMD: prior to June 1st, 2018), and was therefore a candidate for classification through an automated scoring system. Utilizing variant allele frequency, disease prevalence and penetrance estimates, and inheritance mode, an automated score was calculated to assess if this variant is too frequent to cause the disease. Based on the score and internal cut-off values, a variant classified as benign is not then subjected to further curation. The score for this variant resulted in a classification of benign for this disease.

Breakthrough Genomics
Classification: Benign. Review status: criteria provided, single submitter. Criteria: ACMG Guidelines, 2015. Collection method: not provided. Allele origin: germline. Inheritance: Autosomal recessive inheritance. Affected: yes.

NM_000787.4(DBH):c.533G>A (p.Arg178Gln)

Gene: DBH (dopamine beta-hydroxylase; plus strand). Cytogenetic location: 9q34.2.
Variant type: single nucleotide variant.
Coding change: c.533G>A on transcript NM_000787.4 (MANE Select); coding-DNA position 533, G replaced by A.
Protein change: p.Arg178Gln; replaces arginine 178 with glutamine.
Molecular consequence: missense variant.
Genome position (GRCh38, 1-based): chr9:133,642,253, G>A. VCF-style: chr9-133642253-G-A. GRCh37 (hg19) VCF-style: chr9-136507375-G-A.
Other names: short protein forms R178Q.
Identifiers: ClinVar variation 365639 (VCV000365639.16), dbSNP rs76819676, ClinGen allele CA5313109.